The following is an entry in ClinVar:

NM_000168.6(GLI3):c.2146del (p.Gln716fs)

Gene: GLI3 (GLI family zinc finger 3; minus strand). Cytogenetic location: 7p14.1.
Variant type: Deletion.
Coding change: c.2146del on transcript NM_000168.6 (MANE Select); coding-DNA position 2146, one base deleted (C; older notation c.2146delC).
Protein change: p.Gln716fs; shifts the reading frame from glutamine 716.
Molecular consequence: frameshift variant.
Genome position (GRCh38, 1-based): chr7:41,967,881, G deleted on the plus strand (C on the coding strand, the reverse complement: GLI3 is on the minus strand); the first of 2 consecutive G bases (chr7:41,967,881-41,967,882); deleting either gives the same sequence. VCF-style (leftmost placement, unchanged base first): chr7-41967880-TG-T. GRCh37 (hg19) VCF-style: chr7-42007478-TG-T.
Other names: short protein forms Q716fs.
Identifiers: ClinVar variation 2019517 (VCV002019517.4), dbSNP rs2484391036, ClinGen allele CA2580077129.

ClinVar aggregate classification (germline): Pathogenic (1 of 4 stars; one submission).

Conditions:
Greig cephalopolysyndactyly syndrome (GCPS). Also called: POLYSYNDACTYLY WITH PECULIAR SKULL SHAPE; Greig syndrome; GLI3-Related Greig Cephalopolysyndactyly Syndrome. Identifiers: Orphanet 380, MedGen C0265306, MONDO:0008287, OMIM 175700.
Pallister-Hall syndrome (PHS). Also called: HYPOTHALAMIC HAMARTOBLASTOMA, HYPOPITUITARISM, IMPERFORATE ANUS, AND POSTAXIAL POLYDACTYLY; GLI3-Related Pallister-Hall Syndrome. Identifiers: Orphanet 672, MedGen C0265220, MONDO:0007804, OMIM 146510.

Submission:

Labcorp Genetics (formerly Invitae), Labcorp
Classification: Pathogenic for Pallister-Hall syndrome; Greig cephalopolysyndactyly syndrome. Last evaluated: 2026-01-26. Review status: criteria provided, single submitter. Criteria: Invitae Variant Classification Sherloc (09022015). Collection method: clinical testing. Allele origin: germline.
Comment: This sequence change creates a premature translational stop signal (p.Gln716Asnfs*17) in the GLI3 gene. It is expected to result in an absent or disrupted protein product. Loss-of-function variants in GLI3 are known to be pathogenic (PMID: 10441570, 15739154, 18000979, 24736735). This variant is not present in population databases (gnomAD no frequency). This variant has not been reported in the literature in individuals affected with GLI3-related conditions. ClinVar contains an entry for this variant (Variation ID: 2019517). For these reasons, this variant has been classified as Pathogenic.

Literature cited by the submitters: PubMed 10441570; PubMed 15739154; PubMed 18000979; PubMed 24736735.